The following is an entry in ClinVar:

ClinVar aggregate classification (germline): Conflicting classifications of pathogenicity. Review status: criteria provided, conflicting classifications (1 of 4 stars). 3 submissions from 3 submitters: Uncertain significance (2); Likely benign (1). Last evaluated 2025-05-20.

Conditions:
Hereditary cancer-predisposing syndrome. Also called: Tumor predisposition; Neoplastic Syndromes, Hereditary; Hereditary neoplastic syndrome; Hereditary Cancer Syndrome. Identifiers: Orphanet 140162, MedGen C0027672, MeSH D009386, MONDO:0015356.
Gastrointestinal stromal tumor. Also called: Gastrointestinal stromal tumor, somatic; Gastrointestinal stroma tumor. Identifiers: Orphanet 44890, MedGen C0238198, MeSH D046152, MONDO:0011719, OMIM 606764, HP:0100723.

Allele frequency attached by ClinVar (database versions not stated): gnomAD exomes 0.00002.
gnomAD v4.1: 23 of 1,614,242 alleles (0.0014%); highest among the groups gnomAD compares: Non-Finnish European, 0.0019%; no homozygotes.

Submissions (3):

Ambry Genetics
Classification: Likely benign for Hereditary cancer-predisposing syndrome. Last evaluated: 2025-05-20. Review status: criteria provided, single submitter. Criteria: Ambry Variant Classification Scheme 2023. Collection method: clinical testing. Allele origin: germline.

Labcorp Genetics (formerly Invitae), Labcorp
Classification: Uncertain significance for Gastrointestinal stromal tumor. Last evaluated: 2024-08-20. Review status: criteria provided, single submitter. Criteria: Invitae Variant Classification Sherloc (09022015). Collection method: clinical testing. Allele origin: germline.
Comment: This sequence change replaces threonine, which is neutral and polar, with serine, which is neutral and polar, at codon 92 of the KIT protein (p.Thr92Ser). This variant is not present in population databases (gnomAD no frequency). This variant has not been reported in the literature in individuals affected with KIT-related conditions. ClinVar contains an entry for this variant (Variation ID: 1022658). An algorithm developed to predict the effect of missense changes on protein structure and function (PolyPhen-2) suggests that this variant is likely to be disruptive. In summary, the available evidence is currently insufficient to determine the role of this variant in disease. Therefore, it has been classified as a Variant of Uncertain Significance.

GeneDx
Classification: Uncertain significance. Last evaluated: 2024-04-04. Review status: criteria provided, single submitter. Criteria: GeneDx Variant Classification Process June 2021. Collection method: clinical testing. Allele origin: germline. Affected: yes.
Comment: Not observed at significant frequency in large population cohorts (gnomAD); In silico analysis indicates that this missense variant does not alter protein structure/function; Has not been previously published as pathogenic or benign to our knowledge

NM_000222.3(KIT):c.275C>G (p.Thr92Ser)

Gene: KIT (KIT proto-oncogene, receptor tyrosine kinase; plus strand). Cytogenetic location: 4q12.
Variant type: single nucleotide variant.
Coding change: c.275C>G on transcript NM_000222.3 (MANE Select); coding-DNA position 275, C replaced by G.
Protein change: p.Thr92Ser; replaces threonine 92 with serine.
Molecular consequence: missense variant.
Genome position (GRCh38, 1-based): chr4:54,695,719, C>G. VCF-style: chr4-54695719-C-G. GRCh37 (hg19) VCF-style: chr4-55561885-C-G.
Other names: c.275C>G (NM_000222.2); c.275C>G, p.Thr92Ser (NM_001093772.2, NM_001385284.1, NM_001385285.1 and 4 more transcripts); short protein forms T92S.
Identifiers: ClinVar variation 1022658 (VCV001022658.14), dbSNP rs1720019762, ClinGen allele CA356897225.